The following is an entry in ClinVar:

ClinVar aggregate classification (germline): Uncertain significance (1 of 4 stars; one submission).

Allele frequency attached by ClinVar (database versions not stated): TOPMed below 0.00001; ExAC 0.00001; gnomAD 0.00001; gnomAD exomes 0.00002; 1000 Genomes Project 30x 0.00016; 1000 Genomes Project 0.00020.
gnomAD v4.1: 5 of 1,614,144 alleles (0.00031%); highest among the groups gnomAD compares: Admixed American, 0.0083%; no homozygotes.

Submission:

Labcorp Genetics (formerly Invitae), Labcorp
Classification: Uncertain significance. Last evaluated: 2021-09-24. Review status: criteria provided, single submitter. Criteria: Invitae Variant Classification Sherloc (09022015). Collection method: clinical testing. Allele origin: germline.
Comment: This sequence change replaces methionine with threonine at codon 264 of the ICK protein (p.Met264Thr). The methionine residue is moderately conserved and there is a moderate physicochemical difference between methionine and threonine. This variant is present in population databases (rs539412313, ExAC 0.009%). This variant has not been reported in the literature in individuals with ICK-related conditions. Algorithms developed to predict the effect of missense changes on protein structure and function (SIFT, PolyPhen-2, Align-GVGD) all suggest that this variant is likely to be disruptive, but these predictions have not been confirmed by published functional studies and their clinical significance is uncertain. In summary, the available evidence is currently insufficient to determine the role of this variant in disease. Therefore, it has been classified as a Variant of Uncertain Significance.

NM_014920.5(CILK1):c.791T>C (p.Met264Thr)

Gene: CILK1 (ciliogenesis associated kinase 1; minus strand). Cytogenetic location: 6p12.1.
Variant type: single nucleotide variant.
Coding change: c.791T>C on transcript NM_014920.5 (MANE Select); coding-DNA position 791, T replaced by C.
Protein change: p.Met264Thr; replaces methionine 264 with threonine.
Molecular consequence: missense variant. On other transcripts: non-coding transcript variant (1).
Genome position (GRCh38, 1-based): chr6:53,016,123, A>G on the plus strand (T>C on the coding strand, the complement: CILK1 is on the minus strand). VCF-style: chr6-53016123-A-G. GRCh37 (hg19) VCF-style: chr6-52880921-A-G.
Other names: c.791T>C, p.Met264Thr (NM_001375397.1, NM_001375398.1, NM_001375399.1 and 4 more transcripts); short protein forms M264T.
Identifiers: ClinVar variation 1680558 (VCV001680558.5), dbSNP rs539412313, ClinGen allele CA3858700.